The following is an entry in ClinVar:

NM_000138.5(FBN1):c.1220del (p.Gly407fs)

Gene: FBN1 (fibrillin 1; minus strand). Cytogenetic location: 15q21.1.
Variant type: Deletion.
Coding change: c.1220del on transcript NM_000138.5 (MANE Select); coding-DNA position 1220, one base deleted (G; older notation c.1220delG).
Protein change: p.Gly407fs; shifts the reading frame from glycine 407.
Molecular consequence: frameshift variant.
Genome position (GRCh38, 1-based): chr15:48,516,290, C deleted on the plus strand (G on the coding strand, the reverse complement: FBN1 is on the minus strand); the first of 2 consecutive C bases (chr15:48,516,290-48,516,291); deleting either gives the same sequence. VCF-style (leftmost placement, unchanged base first): chr15-48516289-GC-G. GRCh37 (hg19) VCF-style: chr15-48808486-GC-G.
Other names: c.1220del (NM_000138.4); c.1219delG, p.Gly407Alafs (NM_000138.4); c.1220del, p.Gly407fs (NM_001406716.1); short protein forms G407fs.
Identifiers: ClinVar variation 2943895 (VCV002943895.4), dbSNP rs2505619713, ClinGen allele CA2740096683.

ClinVar aggregate classification (germline): Pathogenic. Review status: criteria provided, multiple submitters, no conflicts (2 of 4 stars). 2 submissions from 2 submitters: Pathogenic (2). Last evaluated 2025-09-11.

Conditions:
Cardiovascular phenotype. Identifiers: MedGen CN230736.
Marfan syndrome (MFS). Also called: MARFAN SYNDROME, TYPE I; Marfan syndrome type 1; Marfan's syndrome; Marfan syndrome, classic; FBN1-Related Marfan Syndrome. Identifiers: Orphanet 284963, Orphanet 558, MedGen C0024796, MONDO:0007947, OMIM 154700.
Familial thoracic aortic aneurysm and aortic dissection (TAAD). Also called: Thoracic aortic aneurysms and dissections. Identifiers: Orphanet 91387, MedGen C4707243, MONDO:0019625.

Submissions (2):

Molecular Diagnostic Laboratory for Inherited Cardiovascular Disease, Montreal Heart Institute
Classification: Pathogenic for Cardiovascular phenotype. Last evaluated: 2025-09-11. Review status: criteria provided, single submitter. Criteria: ACMG Guidelines, 2015. Collection method: clinical testing. Allele origin: germline. Affected: yes.
Comment: PVS1, PM2, PS4_supp, PP4

Labcorp Genetics (formerly Invitae), Labcorp
Classification: Pathogenic for Marfan syndrome; Familial thoracic aortic aneurysm and aortic dissection. Last evaluated: 2023-02-03. Review status: criteria provided, single submitter. Criteria: Invitae Variant Classification Sherloc (09022015). Collection method: clinical testing. Allele origin: germline.
Comment: This sequence change creates a premature translational stop signal (p.Gly407Alafs*41) in the FBN1 gene. It is expected to result in an absent or disrupted protein product. Loss-of-function variants in FBN1 are known to be pathogenic (PMID: 17657824, 19293843). For these reasons, this variant has been classified as Pathogenic. This variant has not been reported in the literature in individuals affected with FBN1-related conditions. This variant is not present in population databases (gnomAD no frequency).

Literature cited by the submitters: PubMed 17657824 (cited by Labcorp Genetics (formerly Invitae), Labcorp); PubMed 19293843 (cited by Labcorp Genetics (formerly Invitae), Labcorp).